The following is an entry in ClinVar:

ClinVar aggregate classification (germline): Uncertain significance (1 of 4 stars; one submission).

Submission:

Labcorp Genetics (formerly Invitae), Labcorp
Classification: Uncertain significance. Last evaluated: 2025-11-01. Review status: criteria provided, single submitter. Criteria: Invitae Variant Classification Sherloc (09022015). Collection method: clinical testing. Allele origin: germline.
Comment: This sequence change affects a donor splice site in intron 26 of the ATP2C1 gene. While this variant is not anticipated to result in nonsense mediated decay, it likely alters RNA splicing and results in a disrupted protein product. This variant is not present in population databases (gnomAD no frequency). This variant has not been reported in the literature in individuals affected with ATP2C1-related conditions. Variants that disrupt the consensus splice site are a relatively common cause of aberrant splicing (PMID: 17576681, 9536098). Algorithms developed to predict the effect of sequence changes on RNA splicing suggest that this variant may disrupt the consensus splice site. This variant disrupts a region of the ATP2C1 protein in which other variant(s) (p.Cys889Leufs*11) have been observed in individuals with ATP2C1-related conditions (PMID: 38111361). This suggests that this is a clinically significant region of the protein, and that variants that disrupt it are likely to be disease-causing. In summary, the available evidence is currently insufficient to determine the role of this variant in disease. Therefore, it has been classified as a Variant of Uncertain Significance.

Literature cited by the submitters: PubMed 17576681; PubMed 9536098; PubMed 38111361.

NM_001378687.1(ATP2C1):c.2629+1G>A

Gene: ATP2C1 (ATPase secretory pathway Ca2+ transporting 1; plus strand). Cytogenetic location: 3q22.1.
Variant type: single nucleotide variant.
Coding change: c.2629+1G>A on transcript NM_001378687.1 (MANE Select); the canonical splice donor site of the intron after coding-DNA position 2629, G replaced by A.
Molecular consequence: splice donor variant.
Genome position (GRCh38, 1-based): chr3:130,999,660, G>A. VCF-style: chr3-130999660-G-A. GRCh37 (hg19) VCF-style: chr3-130718504-G-A.
Other names: c.2731+1G>A (NM_001378511.1, NM_001199180.2, NM_001199181.3); c.2614+1G>A (NM_001199182.2); c.2629+1G>A (NM_001001486.2, NM_001001487.2, NM_001001485.3 and 5 more transcripts); c.2581+1G>A (NM_001378514.1, NM_001199183.2, NM_001199184.3).
Identifiers: ClinVar variation 4711576 (VCV004711576.1).